The following is an entry in ClinVar:

ClinVar aggregate classification (germline): Uncertain significance (1 of 4 stars; one submission).

Conditions:
Congenital contractural arachnodactyly (CCA). Also called: Beals-Hecht syndrome; BEALS SYNDROME; Arthrogryposis, distal, type 9. Identifiers: Orphanet 115, MedGen C0220668, MONDO:0007363, OMIM 121050.

Submission:

Labcorp Genetics (formerly Invitae), Labcorp
Classification: Uncertain significance for Congenital contractural arachnodactyly. Last evaluated: 2025-01-06. Review status: criteria provided, single submitter. Criteria: Invitae Variant Classification Sherloc (09022015). Collection method: clinical testing. Allele origin: germline.
Comment: This sequence change replaces glycine, which is neutral and non-polar, with arginine, which is basic and polar, at codon 2077 of the FBN2 protein (p.Gly2077Arg). This variant is not present in population databases (gnomAD no frequency). This variant has not been reported in the literature in individuals affected with FBN2-related conditions. ClinVar contains an entry for this variant (Variation ID: 2006924). Invitae Evidence Modeling of protein sequence and biophysical properties (such as structural, functional, and spatial information, amino acid conservation, physicochemical variation, residue mobility, and thermodynamic stability) indicates that this missense variant is expected to disrupt FBN2 protein function with a positive predictive value of 80%. In summary, the available evidence is currently insufficient to determine the role of this variant in disease. Therefore, it has been classified as a Variant of Uncertain Significance.

NM_001999.4(FBN2):c.6229G>A (p.Gly2077Arg)

Gene: FBN2 (fibrillin 2; minus strand). Cytogenetic location: 5q23.3.
Variant type: single nucleotide variant.
Coding change: c.6229G>A on transcript NM_001999.4 (MANE Select); coding-DNA position 6229, G replaced by A.
Protein change: p.Gly2077Arg; replaces glycine 2077 with arginine.
Molecular consequence: missense variant.
Genome position (GRCh38, 1-based): chr5:128,291,592, C>T on the plus strand (G>A on the coding strand, the complement: FBN2 is on the minus strand). VCF-style: chr5-128291592-C-T. GRCh37 (hg19) VCF-style: chr5-127627284-C-T.
Other names: short protein forms G2077R.
Identifiers: ClinVar variation 2006924 (VCV002006924.4), dbSNP rs2479684466, ClinGen allele CA360764461.